The following is an entry in ClinVar:

NM_007294.4(BRCA1):c.1122_1123del (p.Leu375fs)

Gene: BRCA1 (BRCA1 DNA repair associated; minus strand). Cytogenetic location: 17q21.31.
Variant type: Microsatellite.
Coding change: c.1122_1123del on transcript NM_007294.4 (MANE Select); coding-DNA positions 1122 to 1123, 2 bases deleted (AC; older notation c.1122_1123delAC).
Protein change: p.Leu375fs; shifts the reading frame from leucine 375.
Molecular consequence: frameshift variant. On other transcripts: intron variant (137).
Genome position (GRCh38, 1-based): chr17:43,094,408-43,094,409, GT deleted on the plus strand (AC on the coding strand, the reverse complement: BRCA1 is on the minus strand); deleting any 2 consecutive bases within chr17:43,094,408-43,094,411 gives the same sequence; the c. name uses the placement nearest the transcript's 3' end. VCF-style (leftmost placement, unchanged base first): chr17-43094407-AGT-A. GRCh37 (hg19) VCF-style: chr17-41246424-AGT-A.
Other names: c.1122_1123delAC (NM_007294.3); c.981_982del, p.Leu328fs (NM_001407750.1, NM_001407751.1, NM_001407752.1 and 29 more transcripts); c.978_979del, p.Leu327fs (NM_001407838.1, NM_001407839.1, NM_001407841.1 and 20 more transcripts); c.909_910del, p.Leu304fs (NM_001407853.1, NM_001407894.1, NM_001407895.1 and 9 more transcripts); c.1122_1123del, p.Leu375fs (NM_001407854.1, NM_001407858.1, NM_001407859.1 and 30 more transcripts); c.1119_1120del, p.Leu374fs (NM_001407860.1, NM_001407861.1, NM_001407587.1 and 22 more transcripts); c.921_922del, p.Leu308fs (NM_001407862.1); c.999_1000del, p.Leu334fs (NM_001407863.1, NM_001407919.1, NM_001407937.1 and 19 more transcripts); and 41 more; short protein forms L328fs, L375fs, L247fs, L248fs, L264fs, L305fs, L308fs, L79fs.
Identifiers: ClinVar variation 54138 (VCV000054138.3), dbSNP rs397508839, ClinGen allele CA000752.

ClinVar aggregate classification (germline): Pathogenic. Review status: reviewed by expert panel (3 of 4 stars). 2 submissions from 2 submitters: Pathogenic (1). 1 of the submissions does not count toward it. Last evaluated 2017-12-15.

Conditions:
Breast-ovarian cancer, familial, susceptibility to, 1 (BROVCA1). Also called: OVARIAN CANCER, SUSCEPTIBILITY TO; BRCA1 Hereditary Breast and Ovarian Cancer. Identifiers: Orphanet 145, MedGen C2676676, MONDO:0011450, OMIM 604370. Disease mechanism: loss of function.
Familial cancer of breast. Also called: Hereditary breast cancer; hereditary breast carcinoma; BREAST CANCER, FAMILIAL. Identifiers: Orphanet 227535, MedGen C0346153, MONDO:0016419, OMIM 114480. Disease mechanism: loss of function.

Submissions (2):

Evidence-based Network for the Interpretation of Germline Mutant Alleles (ENIGMA)
Classification: Pathogenic for Breast-ovarian cancer, familial, susceptibility to, 1. Last evaluated: 2017-12-15. Review status: reviewed by expert panel. Criteria: ENIGMA BRCA1/2 Classification Criteria (2017-06-29). Collection method: curation. Allele origin: germline. Study: ENIGMA.
Comment: Variant allele predicted to encode a truncated non-functional protein.

ClinVar Staff, National Center for Biotechnology Information (NCBI)
No classification provided. Condition: Familial cancer of breast. Review status: no classification provided. Collection method: literature only. Allele origin: germline. Affected: yes. Not counted in ClinVar's aggregate classification.

Literature cited by the submitters: PubMed 10508480 (cited by ClinVar Staff, National Center for Biotechnology Information (NCBI)).